The following is an entry in ClinVar:

NM_000093.5(COL5A1):c.2602G>A (p.Gly868Arg)

Gene: COL5A1 (collagen type V alpha 1 chain; plus strand). Cytogenetic location: 9q34.3.
Variant type: single nucleotide variant.
Coding change: c.2602G>A on transcript NM_000093.5 (MANE Select); coding-DNA position 2602, G replaced by A.
Protein change: p.Gly868Arg; replaces glycine 868 with arginine.
Molecular consequence: missense variant.
Genome position (GRCh38, 1-based): chr9:134,786,004, G>A. VCF-style: chr9-134786004-G-A. GRCh37 (hg19) VCF-style: chr9-137677850-G-A.
Other names: c.2602G>A, p.Gly868Arg (NM_001278074.1); short protein forms G868R.
Identifiers: ClinVar variation 2841906 (VCV002841906.3), dbSNP rs2490728651, ClinGen allele CA375455174.
Genomic context (GRCh38, chr9:134,786,004, plus strand): 5'-CGGATGGAGCAATACCGTGCTGGCCATTAATGCAACTCTTTCTTCCCCCAGGGAAAACTC[G>A]GAGTCCCAGGGTTACCAGGGTATCCAGGAAGACAAGGACCAAAGGTAACTTCTGGCCGTG-3'
Protein context (NP_000084.3, residues 858-878): LGPPGEKGKL[Gly868Arg]VPGLPGYPGR

ClinVar aggregate classification (germline): Uncertain significance (1 of 4 stars; one submission).

Conditions:
Ehlers-Danlos syndrome, classic type, 1 (EDSCL1). Also called: EHLERS-DANLOS SYNDROME, GRAVIS TYPE; EHLERS-DANLOS SYNDROME, SEVERE CLASSIC TYPE; Ehlers-Danlos syndrome, type 1; Ehlers-Danlos Syndrome, Classic Type, COL5A1-Related; EDS I. Identifiers: MedGen C0268335, MONDO:0019567, OMIM 130000.

Submission:

Labcorp Genetics (formerly Invitae), Labcorp
Classification: Uncertain significance for Ehlers-Danlos syndrome, classic type, 1. Last evaluated: 2023-03-01. Review status: criteria provided, single submitter. Criteria: Invitae Variant Classification Sherloc (09022015). Collection method: clinical testing. Allele origin: germline.
Comment: This variant has not been reported in the literature in individuals affected with COL5A1-related conditions. In summary, the available evidence is currently insufficient to determine the role of this variant in disease. Therefore, it has been classified as a Variant of Uncertain Significance. This variant disrupts the triple helix domain of COL5A1. Glycine residues within the Gly-Xaa-Yaa repeats of the triple helix domain are required for the structure and stability of fibrillar collagens (PMID: 7695699, 8218237, 19344236), and variants at these glycine residues in COL5A1 are more frequently observed in individuals with disease than in the general population (PMID: 22696272, 23587214). However, the clinical significance of this observation remains uncertain since only a limited number of affected individuals have been described to date. Advanced modeling of protein sequence and biophysical properties (such as structural, functional, and spatial information, amino acid conservation, physicochemical variation, residue mobility, and thermodynamic stability) performed at Invitae indicates that this missense variant is expected to disrupt COL5A1 protein function. This variant is not present in population databases (gnomAD no frequency). This sequence change replaces glycine, which is neutral and non-polar, with arginine, which is basic and polar, at codon 868 of the COL5A1 protein (p.Gly868Arg).

Literature cited by the submitters: PubMed 7695699; PubMed 8218237; PubMed 19344236; PubMed 22696272; PubMed 23587214.